The following is an entry in ClinVar:

ClinVar aggregate classification (germline): Benign (1 of 4 stars; one submission).

Conditions:
Juvenile polyposis syndrome (JPS). Identifiers: Orphanet 2929, MedGen C0345893, MONDO:0017380, OMIM 174900.

Submission:

Myriad Genetics, Inc.
Classification: Benign for Juvenile polyposis syndrome. Last evaluated: 2024-08-05. Review status: criteria provided, single submitter. Criteria: Myriad Autosomal Dominant, Autosomal Recessive and X-Linked Classification Criteria (2023). Collection method: clinical testing. Allele origin: unknown.
Comment: This variant is considered benign. This variant is a silent/synonymous amino acid change and it is not expected to impact splicing.

NM_004329.3(BMPR1A):c.945A>T (p.Gly315=)

Gene: BMPR1A (bone morphogenetic protein receptor type 1A; plus strand). Cytogenetic location: 10q23.2.
Variant type: single nucleotide variant.
Coding change: c.945A>T on transcript NM_004329.3 (MANE Select); coding-DNA position 945, A replaced by T.
Protein change: p.Gly315=; no amino-acid change (glycine 315 retained).
Molecular consequence: synonymous variant. On other transcripts: non-coding transcript variant (3).
Genome position (GRCh38, 1-based): chr10:86,919,248, A>T. VCF-style: chr10-86919248-A-T. GRCh37 (hg19) VCF-style: chr10-88679005-A-T.
Other names: c.1020A>T, p.Gly340= (NM_001406559.1); c.993A>T, p.Gly331= (NM_001406560.1); c.945A>T, p.Gly315= (NM_001406561.1, NM_001406562.1, NM_001406563.1 and 19 more transcripts); c.939A>T, p.Gly313= (NM_001406583.1); c.861A>T, p.Gly287= (NM_001406584.1, NM_001406585.1, NM_001406586.1 and 2 more transcripts); c.603A>T, p.Gly201= (NM_001406589.1).
Identifiers: ClinVar variation 3379052 (VCV003379052.1).